The following is an entry in ClinVar:

ClinVar aggregate classification (germline): Uncertain significance (1 of 4 stars; one submission).

Conditions:
Myofibrillar myopathy 4. Also called: Zaspopathy (type). Identifiers: Orphanet 98912, MedGen C4721886, MONDO:0012277, OMIM 609452.

Submission:

Labcorp Genetics (formerly Invitae), Labcorp
Classification: Uncertain significance for Myofibrillar myopathy 4. Last evaluated: 2023-03-20. Review status: criteria provided, single submitter. Criteria: Invitae Variant Classification Sherloc (09022015). Collection method: clinical testing. Allele origin: germline.
Comment: This variant is not present in population databases (gnomAD no frequency). This sequence change replaces serine, which is neutral and polar, with asparagine, which is neutral and polar, at codon 125 of the LDB3 protein (p.Ser125Asn). This variant has not been reported in the literature in individuals affected with LDB3-related conditions. An algorithm developed to predict the effect of missense changes on protein structure and function (PolyPhen-2) suggests that this variant is likely to be tolerated. In summary, the available evidence is currently insufficient to determine the role of this variant in disease. Therefore, it has been classified as a Variant of Uncertain Significance.

NM_001368067.1(LDB3):c.374G>A (p.Ser125Asn)

Genes: LDB3 (LIM domain binding 3; plus strand), LOC110121486 (VISTA enhancer hs2143; plus strand). Cytogenetic location: 10q23.2.
Variant type: single nucleotide variant.
Coding change: c.374G>A on transcript NM_001368067.1 (MANE Plus Clinical); coding-DNA position 374, G replaced by A.
Protein change: p.Ser125Asn; replaces serine 125 with asparagine.
Molecular consequence: missense variant. On other transcripts: intron variant (5).
Genome position (GRCh38, 1-based): chr10:86,687,098, G>A. VCF-style: chr10-86687098-G-A. GRCh37 (hg19) VCF-style: chr10-88446855-G-A.
Other names: c.374G>A, p.Ser125Asn (NM_001080114.2, NM_001080116.1, NM_001368066.1 and 1 more transcripts); c.719G>A, p.Ser240Asn (NM_001171610.2, NM_001171611.2); c.690-4798G>A (NM_001368064.1, NM_001368063.1, NM_007078.3 and 2 more transcripts); short protein forms S240N, S125N.
Identifiers: ClinVar variation 2847776 (VCV002847776.3), dbSNP rs2492639369, ClinGen allele CA377441417.
Genomic context (GRCh38, chr10:86,687,098, plus strand): 5'-CCCTGCCCGTACTCCCGCACCCCTCCCCCAGCGCCGACTACCAGGAACGCTTCAACCCCA[G>A]TGCCCTGAAGGACTCGGCCCTGTCCACCCACAAGCCCATCGAGGTGAAGGGGCTGGGCGG-3'
Protein context (NP_001354996.1, residues 115-135): NADYQERFNP[Ser125Asn]ALKDSALSTH